The following is an entry in ClinVar:

NM_000238.4(KCNH2):c.823A>C (p.Ser275Arg)

Gene: KCNH2 (potassium voltage-gated channel subfamily H member 2; minus strand). Cytogenetic location: 7q36.1.
Variant type: single nucleotide variant.
Coding change: c.823A>C on transcript NM_000238.4 (MANE Select); coding-DNA position 823, A replaced by C.
Protein change: p.Ser275Arg; replaces serine 275 with arginine.
Molecular consequence: missense variant.
Genome position (GRCh38, 1-based): chr7:150,958,152, T>G on the plus strand (A>C on the coding strand, the complement: KCNH2 is on the minus strand). VCF-style: chr7-150958152-T-G. GRCh37 (hg19) VCF-style: chr7-150655240-T-G.
Other names: c.823A>C (NM_000238.2); c.535A>C, p.Ser179Arg (NM_001406753.1, NM_001406756.1); c.646A>C, p.Ser216Arg (NM_001406755.1); c.523A>C, p.Ser175Arg (NM_001406757.1); c.823A>C, p.Ser275Arg (NM_172056.3); short protein forms S275R, S175R, S179R, S216R.
Identifiers: ClinVar variation 577151 (VCV000577151.17), dbSNP rs1268162009, ClinGen allele CA369862359.

ClinVar aggregate classification (germline): Uncertain significance. Review status: criteria provided, multiple submitters, no conflicts (2 of 4 stars). 5 submissions from 5 submitters: Uncertain significance (5). Last evaluated 2025-11-24.

Conditions:
Long QT syndrome (LQTS). Identifiers: MedGen C0023976, MeSH D008133, MONDO:0002442. Disease mechanism: loss of function. Inheritance: Various modes of inheritance.
Cardiovascular phenotype. Identifiers: MedGen CN230736.

Allele frequency attached by ClinVar (database versions not stated): TOPMed 0.00002; gnomAD 0.00003 and 0.00004.
gnomAD v4.1: 36 of 1,331,678 alleles (0.0027%); highest among the groups gnomAD compares: Non-Finnish European, 0.0031%; no homozygotes.

Submissions (5):

Labcorp Genetics (formerly Invitae), Labcorp
Classification: Uncertain significance for Long QT syndrome. Last evaluated: 2025-11-24. Review status: criteria provided, single submitter. Criteria: Invitae Variant Classification Sherloc (09022015). Collection method: clinical testing. Allele origin: germline.
Comment: This sequence change replaces serine, which is neutral and polar, with arginine, which is basic and polar, at codon 275 of the KCNH2 protein (p.Ser275Arg). This variant is present in population databases (no rsID available, gnomAD 0.01%). This variant has not been reported in the literature in individuals affected with KCNH2-related conditions. ClinVar contains an entry for this variant (Variation ID: 577151). An algorithm developed to predict the effect of missense changes on protein structure and function (PolyPhen-2) suggests that this variant is likely to be disruptive. In summary, the available evidence is currently insufficient to determine the role of this variant in disease. Therefore, it has been classified as a Variant of Uncertain Significance.

GeneDx
Classification: Uncertain significance. Last evaluated: 2025-03-19. Review status: criteria provided, single submitter. Criteria: GeneDx Variant Classification Process June 2021. Collection method: clinical testing. Allele origin: germline. Affected: yes.
Comment: In silico analysis supports that this missense variant does not alter protein structure/function; Has not been previously published as pathogenic or benign to our knowledge

Ambry Genetics
Classification: Uncertain significance for Cardiovascular phenotype. Last evaluated: 2024-07-24. Review status: criteria provided, single submitter. Criteria: Ambry Variant Classification Scheme 2023. Collection method: clinical testing. Allele origin: germline.
Comment: The p.S275R variant (also known as c.823A>C), located in coding exon 4 of the KCNH2 gene, results from an A to C substitution at nucleotide position 823. The serine at codon 275 is replaced by arginine, an amino acid with dissimilar properties. This amino acid position is highly conserved in available vertebrate species. In addition, this alteration is predicted to be deleterious by in silico analysis. Since supporting evidence is limited at this time, the clinical significance of this alteration remains unclear.

Women's Health and Genetics/Laboratory Corporation of America, LabCorp
Classification: Uncertain significance. Last evaluated: 2022-02-05. Review status: criteria provided, single submitter. Criteria: LabCorp Variant Classification Summary - May 2015. Collection method: clinical testing. Allele origin: germline.

Blueprint Genetics
Classification: Uncertain significance. Last evaluated: 2021-06-29. Review status: criteria provided, single submitter. Criteria: ACMG Guidelines, 2015. Collection method: clinical testing. Allele origin: germline.